The following is an entry in ClinVar:

NM_025114.4(CEP290):c.1195T>G (p.Ser399Ala)

Gene: CEP290 (centrosomal protein 290; minus strand). Cytogenetic location: 12q21.32.
Variant type: single nucleotide variant.
Coding change: c.1195T>G on transcript NM_025114.4 (MANE Select); coding-DNA position 1195, T replaced by G.
Protein change: p.Ser399Ala; replaces serine 399 with alanine.
Molecular consequence: missense variant.
Genome position (GRCh38, 1-based): chr12:88,121,161, A>C on the plus strand (T>G on the coding strand, the complement: CEP290 is on the minus strand). VCF-style: chr12-88121161-A-C. GRCh37 (hg19) VCF-style: chr12-88514938-A-C.
Other names: c.1195T>G (NM_025114.3); short protein forms S399A.
Identifiers: ClinVar variation 2142217 (VCV002142217.3), dbSNP rs760581741, ClinGen allele CA6712606.

ClinVar aggregate classification (germline): Uncertain significance. Review status: criteria provided, multiple submitters, no conflicts (2 of 4 stars). 3 submissions from 3 submitters: Uncertain significance (2). 1 of the submissions does not count toward it. Last evaluated 2026-07-02.

Conditions:
CEP290-related disorder. Also called: CEP290-related disorders; CEP290-related condition. Identifiers: MedGen CN239314.
Joubert syndrome. Also called: JOUBERT-BOLTSHAUSER SYNDROME; Familial aplasia of the vermis. Identifiers: Orphanet 475, MedGen C5979921, MONDO:0018772.
Nephronophthisis. Also called: Juvenile Nephronophthisis. Identifiers: Orphanet 655, MedGen C0687120, MONDO:0019005, HP:0000090.
Meckel-Gruber syndrome. Also called: DYSENCEPHALIA SPLANCHNOCYSTICA; GRUBER SYNDROME; Dysencephalia splachnocystica. Identifiers: Orphanet 564, MedGen C0265215, MONDO:0018921.
Leber congenital amaurosis (LCA). Also called: Leber's amaurosis. Identifiers: Orphanet 65, MedGen C0339527, MeSH D057130, MONDO:0018998.

Allele frequency attached by ClinVar (database versions not stated): TOPMed below 0.00001; ExAC 0.00001; gnomAD 0.00001; gnomAD exomes 0.00001.
gnomAD v4.1: 20 of 1,611,048 alleles (0.0012%); highest among the groups gnomAD compares: Non-Finnish European, 0.0017%; no homozygotes.

Submissions (3):

PreventionGenetics, part of Exact Sciences
Classification: Uncertain significance for CEP290-related condition. Last evaluated: 2026-07-02. Review status: criteria provided, single submitter. Criteria: ACMG Guidelines, 2015. Collection method: clinical testing. Allele origin: germline.
Comment: The CEP290 c.1195T>G variant is predicted to result in the amino acid substitution p.Ser399Ala. To our knowledge, this variant has not been reported in the literature. This variant is reported in 0.0024% of alleles in individuals of European (Non-Finnish) descent in gnomAD. At this time, the clinical significance of this variant is uncertain due to the absence of conclusive functional and genetic evidence.

Labcorp Genetics (formerly Invitae), Labcorp
Classification: Uncertain significance for Joubert syndrome; Meckel-Gruber syndrome; Nephronophthisis. Last evaluated: 2022-03-28. Review status: criteria provided, single submitter. Criteria: Invitae Variant Classification Sherloc (09022015). Collection method: clinical testing. Allele origin: germline.
Comment: This sequence change replaces serine, which is neutral and polar, with alanine, which is neutral and non-polar, at codon 399 of the CEP290 protein (p.Ser399Ala). This variant is present in population databases (rs760581741, gnomAD 0.003%). This variant has not been reported in the literature in individuals affected with CEP290-related conditions. Algorithms developed to predict the effect of missense changes on protein structure and function (SIFT, PolyPhen-2, Align-GVGD) all suggest that this variant is likely to be tolerated. In summary, the available evidence is currently insufficient to determine the role of this variant in disease. Therefore, it has been classified as a Variant of Uncertain Significance.

Natera, Inc.
Classification: Uncertain significance for Leber congenital amaurosis. Last evaluated: 2025-05-20. Review status: no assertion criteria provided. Collection method: clinical testing. Allele origin: germline. Not counted in ClinVar's aggregate classification.